The following is an entry in ClinVar:

NM_000540.3(RYR1):c.557G>A (p.Gly186Glu)

Gene: RYR1 (ryanodine receptor 1; plus strand). Cytogenetic location: 19q13.2.
Variant type: single nucleotide variant.
Coding change: c.557G>A on transcript NM_000540.3 (MANE Select); coding-DNA position 557, G replaced by A.
Protein change: p.Gly186Glu; replaces glycine 186 with glutamic acid.
Molecular consequence: missense variant.
Genome position (GRCh38, 1-based): chr19:38,444,603, G>A. VCF-style: chr19-38444603-G-A. GRCh37 (hg19) VCF-style: chr19-38935243-G-A.
Other names: c.557G>A, p.Gly186Glu (NM_001042723.2); short protein forms G186E.
Identifiers: ClinVar variation 2885075 (VCV002885075.4), dbSNP rs764995826, ClinGen allele CA067290.
Genomic context (GRCh38, chr19:38,444,603, plus strand): 5'-CCTGCAATCGTCTCTGACTGCCGCATCCTGGTGGCCCCCAGCACCTGTCGACCGCCAGTG[G>A]GGAGCTCCAGGTTGACGCTTCCTTCATGCAGACACTATGGAACATGAACCCCATCTGCTC-3'
Protein context (NP_000531.2, residues 176-196): ERYLHLSTAS[Gly186Glu]ELQVDASFMQ

ClinVar aggregate classification (germline): Uncertain significance. Review status: criteria provided, multiple submitters, no conflicts (2 of 4 stars). 2 submissions from 2 submitters: Uncertain significance (2). Last evaluated 2023-12-19.

Conditions:
RYR1-related disorder. Also called: RYR1-related condition; RYR1-related disorders. Identifiers: MedGen CN239331.
Malignant hyperthermia, susceptibility to, 1 (MHS1). Also called: Anesthesia related hyperthermia; Malignant hyperpyrexia; Fulminating hyperpyrexia; Pharmacogenic myopathy; RYR1-Related Malignant Hyperthermia Susceptibility; Malignant hyperthermia suceptibility 1. Identifiers: Orphanet 423, MedGen C2930980, MONDO:0007783, OMIM 145600.

Allele frequency attached by ClinVar (database versions not stated): gnomAD exomes 0.00001; ExAC 0.00002; TOPMed 0.00002.
gnomAD v4.1: 20 of 1,613,870 alleles (0.0012%); highest among the groups gnomAD compares: Non-Finnish European, 0.0016%; no homozygotes.

Submissions (2):

Labcorp Genetics (formerly Invitae), Labcorp
Classification: Uncertain significance for RYR1-related disorder. Last evaluated: 2023-12-19. Review status: criteria provided, single submitter. Criteria: Invitae Variant Classification Sherloc (09022015). Collection method: clinical testing. Allele origin: germline.
Comment: This sequence change replaces glycine, which is neutral and non-polar, with glutamic acid, which is acidic and polar, at codon 186 of the RYR1 protein (p.Gly186Glu). This variant is present in population databases (rs764995826, gnomAD 0.002%). This variant has not been reported in the literature in individuals affected with RYR1-related conditions. Advanced modeling of protein sequence and biophysical properties (such as structural, functional, and spatial information, amino acid conservation, physicochemical variation, residue mobility, and thermodynamic stability) performed at Invitae indicates that this missense variant is expected to disrupt RYR1 protein function with a positive predictive value of 95%. In summary, the available evidence is currently insufficient to determine the role of this variant in disease. Therefore, it has been classified as a Variant of Uncertain Significance.

All of Us Research Program, National Institutes of Health
Classification: Uncertain significance for Malignant hyperthermia, susceptibility to, 1. Last evaluated: 2023-10-06. Review status: criteria provided, single submitter. Criteria: ACMG Guidelines, 2015. Collection method: clinical testing. Allele origin: germline. Inheritance: Autosomal dominant inheritance. Observed: 2 variant alleles, 2 heterozygotes.
Comment: This missense variant replaces glycine with glutamic acid at codon 186 of the RYR1 protein. Computational prediction suggests that this variant may have deleterious impact on protein structure and function (internally defined REVEL score threshold >= 0.7, PMID: 27666373). To our knowledge, functional studies have not been reported for this variant. This variant has not been reported in individuals affected with RYR1-related disorders in the literature. This variant has been identified in 2/250592 chromosomes in the general population by the Genome Aggregation Database (gnomAD). The available evidence is insufficient to determine the role of this variant in disease conclusively. Therefore, this variant is classified as a Variant of Uncertain Significance.

This study involves interpretation of variants in research participants for the purpose of population health screening. Participant phenotype was not available at the time of variant classification. Additional details can be found in publication PMID: 35346344, PMCID: PMC8962531